The following is an entry in ClinVar:

NM_002667.5(PLN):c.150_159delinsAC (p.Met50fs)

Genes: CEP85L (centrosomal protein 85 like; minus strand), PLN (phospholamban; plus strand). Cytogenetic location: 6q22.31.
Variant type: Indel.
Coding change: c.150_159delinsAC on transcript NM_002667.5 (MANE Select); coding-DNA positions 150 to 159, GCTTCTCTGA replaced by AC.
Protein change: p.Met50fs; shifts the reading frame from methionine 50.
Molecular consequence: frameshift variant. On other transcripts: intron variant (3).
Genome position (GRCh38, 1-based): chr6:118,559,071-118,559,080, GCTTCTCTGA replaced by AC. VCF-style: chr6-118559071-GCTTCTCTGA-AC. GRCh37 (hg19) VCF-style: chr6-118880234-GCTTCTCTGA-AC.
Other names: c.150_159del10insAC (NM_002667.3); c.1029+6449_1029+6458delinsGT (NM_001178035.2); c.1020+6449_1020+6458delinsGT (NM_001042475.3, NM_206921.3); short protein forms M50fs.
Identifiers: ClinVar variation 2566091 (VCV002566091.2), dbSNP rs2534334357, ClinGen allele CA2580617333.

ClinVar aggregate classification (germline): Uncertain significance (1 of 4 stars; one submission).

Conditions:
Cardiovascular phenotype. Identifiers: MedGen CN230736.

Submission:

Ambry Genetics
Classification: Uncertain significance for Cardiovascular phenotype. Last evaluated: 2023-04-24. Review status: criteria provided, single submitter. Criteria: Ambry Variant Classification Scheme 2023. Collection method: clinical testing. Allele origin: germline.
Comment: The c.150_159del10insAC variant, located in coding exon 1 of the PLN gene, results from the deletion of 10 nucleotides and insertion of two nucleotides causing a translational frameshift with a predicted alternate stop codon (p.M50Ifs*8). This alteration occurs at the 3' terminus of thePLN gene, is not expected to trigger nonsense-mediated mRNAdecay and results in the elongation of the protein by 4 amino acids. This frameshift impacts the last 3 amino acids (5.8%) of the native protein. The exact functional effect of the altered amino acids is unknown. Since supporting evidence is limited at this time, the clinical significance of this alteration remains unclear.